The following is an entry in ClinVar:

ClinVar aggregate classification (germline): Uncertain significance (1 of 4 stars; one submission).

Conditions:
Glucose-6-phosphate transport defect (GSD1B). Also called: Glycogen Storage Disease Type Ib; GSD Ib. Identifiers: Orphanet 364, Orphanet 79259, MedGen C0268146, MONDO:0009288, OMIM 232220.

Allele frequency attached by ClinVar (database versions not stated): gnomAD exomes below 0.00001.

Submission:

Labcorp Genetics (formerly Invitae), Labcorp
Classification: Uncertain significance for Glucose-6-phosphate transport defect. Last evaluated: 2022-01-16. Review status: criteria provided, single submitter. Criteria: Invitae Variant Classification Sherloc (09022015). Collection method: clinical testing. Allele origin: germline.
Comment: This sequence change replaces asparagine, which is neutral and polar, with serine, which is neutral and polar, at codon 374 of the SLC37A4 protein (p.Asn374Ser). This variant is not present in population databases (gnomAD no frequency). This variant has not been reported in the literature in individuals affected with SLC37A4-related conditions. Experimental studies and prediction algorithms are not available or were not evaluated, and the functional significance of this variant is currently unknown. In summary, the available evidence is currently insufficient to determine the role of this variant in disease. Therefore, it has been classified as a Variant of Uncertain Significance.

NM_001164277.2(SLC37A4):c.1121A>G (p.Asn374Ser)

Gene: SLC37A4 (solute carrier family 37 member 4; minus strand). Cytogenetic location: 11q23.3.
Variant type: single nucleotide variant.
Coding change: c.1121A>G on transcript NM_001164277.2 (MANE Select); coding-DNA position 1121, A replaced by G.
Protein change: p.Asn374Ser; replaces asparagine 374 with serine.
Molecular consequence: missense variant.
Genome position (GRCh38, 1-based): chr11:119,025,193, T>C on the plus strand (A>G on the coding strand, the complement: SLC37A4 is on the minus strand). VCF-style: chr11-119025193-T-C. GRCh37 (hg19) VCF-style: chr11-118895903-T-C.
Other names: c.1187A>G, p.Asn396Ser (NM_001164278.2); c.902A>G, p.Asn301Ser (NM_001164279.2); c.1121A>G, p.Asn374Ser (NM_001164280.2, NM_001467.6); short protein forms N396S, N301S, N374S.
Identifiers: ClinVar variation 2084912 (VCV002084912.1), dbSNP rs1943520706, ClinGen allele CA382895049.